The following is an entry in ClinVar:

ClinVar aggregate classification (germline): Uncertain significance (1 of 4 stars; one submission).

Conditions:
Aortic aneurysm, familial thoracic 4 (AAT4). Also called: AORTIC ANEURYSM/AORTIC DISSECTION AND PATENT DUCTUS ARTERIOSUS. Identifiers: MedGen C1851504, MONDO:0007568, OMIM 132900.

Submission:

Labcorp Genetics (formerly Invitae), Labcorp
Classification: Uncertain significance for Aortic aneurysm, familial thoracic 4. Last evaluated: 2024-06-08. Review status: criteria provided, single submitter. Criteria: Invitae Variant Classification Sherloc (09022015). Collection method: clinical testing. Allele origin: germline.
Comment: This sequence change replaces asparagine, which is neutral and polar, with histidine, which is basic and polar, at codon 1430 of the MYH11 protein (p.Asn1430His). This variant is not present in population databases (gnomAD no frequency). This variant has not been reported in the literature in individuals affected with MYH11-related conditions. Advanced modeling of protein sequence and biophysical properties (such as structural, functional, and spatial information, amino acid conservation, physicochemical variation, residue mobility, and thermodynamic stability) performed at Invitae indicates that this missense variant is not expected to disrupt MYH11 protein function with a negative predictive value of 95%. In summary, the available evidence is currently insufficient to determine the role of this variant in disease. Therefore, it has been classified as a Variant of Uncertain Significance.

NM_002474.3(MYH11):c.4267A>C (p.Asn1423His)

Genes: NDE1 (nudE neurodevelopment protein 1; plus strand), MYH11 (myosin heavy chain 11; minus strand). Cytogenetic location: 16p13.11.
Variant type: single nucleotide variant.
Coding change: c.4267A>C on transcript NM_002474.3 (MANE Select); coding-DNA position 4267, A replaced by C.
Protein change: p.Asn1423His; replaces asparagine 1423 with histidine.
Molecular consequence: missense variant. On other transcripts: 3 prime UTR variant (2).
Genome position (GRCh38, 1-based): chr16:15,724,259, T>G on the plus strand (A>C on the coding strand, the complement: MYH11 is on the minus strand). VCF-style: chr16-15724259-T-G. GRCh37 (hg19) VCF-style: chr16-15818116-T-G.
Other names: c.4288A>C, p.Asn1430His (NM_001040113.2, NM_001040114.2); c.4267A>C, p.Asn1423His (NM_022844.3); c.*8T>G (NM_001143979.2, NM_017668.3); short protein forms N1423H, N1430H.
Identifiers: ClinVar variation 3716909 (VCV003716909.2).
Genomic context (GRCh38, chr16:15,724,259, plus strand): 5'-CGAGTTGCCGCTGGTTGTCCAAATCAACAACCAGGTCGTCCAGCTCCTGCTGAAGCCTGT[T>G]CTTGGTCTTTTCCAGTTTATCATAAGCGGCCGCCTTCTCCTCGTACTGCTGGGTGAGGTT-3'
Protein context (NP_002465.1, residues 1413-1433): AAYDKLEKTK[Asn1423His]RLQQELDDLV